The following is an entry in ClinVar:

NM_001458.5(FLNC):c.3061G>A (p.Ala1021Thr)

Gene: FLNC (filamin C; plus strand). Cytogenetic location: 7q32.1.
Variant type: single nucleotide variant.
Coding change: c.3061G>A on transcript NM_001458.5 (MANE Select); coding-DNA position 3061, G replaced by A.
Protein change: p.Ala1021Thr; replaces alanine 1021 with threonine.
Molecular consequence: missense variant.
Genome position (GRCh38, 1-based): chr7:128,844,135, G>A. VCF-style: chr7-128844135-G-A. GRCh37 (hg19) VCF-style: chr7-128484189-G-A.
Other names: c.3061G>A, p.Ala1021Thr (NM_001127487.2); short protein forms A1021T.
Identifiers: ClinVar variation 4812392 (VCV004812392.1).

ClinVar aggregate classification (germline): Uncertain significance (1 of 4 stars; one submission).

Conditions:
Hypertrophic cardiomyopathy 26. Also called: Cardiomyopathy, familial hypertrophic, 26. Identifiers: Orphanet 75249, MedGen C4310749, MONDO:0014883, OMIM 617047.
Myofibrillar myopathy 5. Also called: Filaminopathy (type); FILAMINOPATHY, AUTOSOMAL DOMINANT. Identifiers: Orphanet 171445, MedGen C1836050, MONDO:0012289, OMIM 609524.
Distal myopathy with posterior leg and anterior hand involvement. Also called: WILLIAMS DISTAL MYOPATHY. Identifiers: Orphanet 63273, MedGen C3279722, MONDO:0013550, OMIM 614065.

Submission:

Labcorp Genetics (formerly Invitae), Labcorp
Classification: Uncertain significance for Distal myopathy with posterior leg and anterior hand involvement; Myofibrillar myopathy 5; Hypertrophic cardiomyopathy 26. Last evaluated: 2025-10-17. Review status: criteria provided, single submitter. Criteria: Invitae Variant Classification Sherloc (09022015). Collection method: clinical testing. Allele origin: germline.
Comment: This sequence change replaces alanine, which is neutral and non-polar, with threonine, which is neutral and polar, at codon 1021 of the FLNC protein (p.Ala1021Thr). This variant is present in population databases (no rsID available, gnomAD 0.003%). This variant has not been reported in the literature in individuals affected with FLNC-related conditions. Invitae Evidence Modeling of protein sequence and biophysical properties (such as structural, functional, and spatial information, amino acid conservation, physicochemical variation, residue mobility, and thermodynamic stability) has been performed for this missense variant. However, the output from this modeling did not meet the statistical confidence thresholds required to predict the impact of this variant on FLNC protein function. In summary, the available evidence is currently insufficient to determine the role of this variant in disease. Therefore, it has been classified as a Variant of Uncertain Significance.